The following is an entry in ClinVar:

NM_004336.5(BUB1):c.2572T>C (p.Phe858Leu)

Gene: BUB1 (BUB1 mitotic checkpoint serine/threonine kinase; minus strand). Cytogenetic location: 2q13.
Variant type: single nucleotide variant.
Coding change: c.2572T>C on transcript NM_004336.5 (MANE Select); coding-DNA position 2572, T replaced by C.
Protein change: p.Phe858Leu; replaces phenylalanine 858 with leucine.
Molecular consequence: missense variant.
Genome position (GRCh38, 1-based): chr2:110,641,695, A>G on the plus strand (T>C on the coding strand, the complement: BUB1 is on the minus strand). VCF-style: chr2-110641695-A-G. GRCh37 (hg19) VCF-style: chr2-111399272-A-G.
Other names: c.2512T>C, p.Phe838Leu (NM_001278616.2); c.2572T>C, p.Phe858Leu (NM_001278617.2); short protein forms F838L, F858L.
Identifiers: ClinVar variation 1793266 (VCV001793266.3), dbSNP rs2467972050, ClinGen allele CA348090264.

ClinVar aggregate classification (germline): Uncertain significance (1 of 4 stars; one submission).

Submission:

Ambry Genetics
Classification: Uncertain significance. Last evaluated: 2024-05-07. Review status: criteria provided, single submitter. Criteria: Ambry Variant Classification Scheme 2023. Collection method: clinical testing. Allele origin: germline.
Comment: The p.F858L variant (also known as c.2572T>C), located in coding exon 21 of the BUB1 gene, results from a T to C substitution at nucleotide position 2572. The phenylalanine at codon 858 is replaced by leucine, an amino acid with highly similar properties. This amino acid position is conserved. In addition, the in silico prediction for this alteration is inconclusive. Since supporting evidence is limited at this time, the clinical significance of this alteration remains unclear.